The following is an entry in ClinVar:

NM_014629.4(ARHGEF10):c.2684A>G (p.His895Arg)

Gene: ARHGEF10 (Rho guanine nucleotide exchange factor 10; plus strand). Cytogenetic location: 8p23.3.
Variant type: single nucleotide variant.
Coding change: c.2684A>G on transcript NM_014629.4 (MANE Select); coding-DNA position 2684, A replaced by G.
Protein change: p.His895Arg; replaces histidine 895 with arginine.
Molecular consequence: missense variant.
Genome position (GRCh38, 1-based): chr8:1,926,450, A>G. VCF-style: chr8-1926450-A-G. GRCh37 (hg19) VCF-style: chr8-1874616-A-G.
Other names: p.His895Arg; c.2570A>G, p.His857Arg (NM_001308152.2); c.2684A>G, p.His895Arg (NM_001308153.3); short protein forms H857R, H895R, H919R.
Identifiers: ClinVar variation 1693967 (VCV001693967.9), dbSNP rs777004497, ClinGen allele CA4600987.
Genomic context (GRCh38, chr8:1,926,450, plus strand): 5'-CTTATAACCCTGAACCTTACCTAAATAATGAAAGCCAGCCAGATTCATTTTCCACGGCAC[A>G]TGGTTTCCTGTGGGTAAGATGTGTTTATTTGGTTTTGGTACAAGTTCACAGAGAATCAAC-3'
Protein context (NP_055444.2, residues 885-905): ESQPDSFSTA[His895Arg]GFLWIGSCTH

ClinVar aggregate classification (germline): Uncertain significance. Review status: criteria provided, multiple submitters, no conflicts (2 of 4 stars). 2 submissions from 2 submitters: Uncertain significance (2). Last evaluated 2025-07-22.

Allele frequency attached by ClinVar (database versions not stated): ExAC 0.00002; gnomAD 0.00003; gnomAD exomes 0.00003; TOPMed 0.00003.
gnomAD v4.1: 57 of 1,613,968 alleles (0.0035%); highest among the groups gnomAD compares: Non-Finnish European, 0.0044%; no homozygotes.

Submissions (2):

Labcorp Genetics (formerly Invitae), Labcorp
Classification: Uncertain significance. Last evaluated: 2025-07-22. Review status: criteria provided, single submitter. Criteria: Invitae Variant Classification Sherloc (09022015). Collection method: clinical testing. Allele origin: germline.
Comment: This sequence change replaces histidine, which is basic and polar, with arginine, which is basic and polar, at codon 895 of the ARHGEF10 protein (p.His895Arg). This variant is present in population databases (rs777004497, gnomAD 0.007%). This variant has not been reported in the literature in individuals affected with ARHGEF10-related conditions. ClinVar contains an entry for this variant (Variation ID: 1693967). Invitae Evidence Modeling of protein sequence and biophysical properties (such as structural, functional, and spatial information, amino acid conservation, physicochemical variation, residue mobility, and thermodynamic stability) indicates that this missense variant is not expected to disrupt ARHGEF10 protein function with a negative predictive value of 80%. In summary, the available evidence is currently insufficient to determine the role of this variant in disease. Therefore, it has been classified as a Variant of Uncertain Significance.

Mayo Clinic Laboratories, Mayo Clinic
Classification: Uncertain significance. Last evaluated: 2021-09-29. Review status: criteria provided, single submitter. Criteria: ACMG Guidelines, 2015. Collection method: clinical testing. Allele origin: germline.